The following is an entry in ClinVar:

NM_001370100.5(ZMYND11):c.239T>A (p.Ile80Asn)

Gene: ZMYND11 (zinc finger MYND-type containing 11; plus strand). Cytogenetic location: 10p15.3.
Variant type: single nucleotide variant.
Coding change: c.239T>A on transcript NM_001370100.5 (MANE Select); coding-DNA position 239, T replaced by A.
Protein change: p.Ile80Asn; replaces isoleucine 80 with asparagine.
Molecular consequence: missense variant. On other transcripts: non-coding transcript variant (1), intron variant (1).
Genome position (GRCh38, 1-based): chr10:210,011, T>A. VCF-style: chr10-210011-T-A. GRCh37 (hg19) VCF-style: chr10-255951-T-A.
Other names: c.239T>A, p.Ile80Asn (NM_001202464.3, NM_001202465.3, NM_001202466.3 and 24 more transcripts); c.188T>A, p.Ile63Asn (NM_001330057.3, NM_001370112.2, NM_001370123.2); c.173T>A, p.Ile58Asn (NM_001370116.2, NM_001370120.2); c.119T>A, p.Ile40Asn (NM_001370118.2, NM_001370121.2); c.-33-26827T>A (NM_001370124.3); short protein forms I40N, I58N, I63N, I80N.
Identifiers: ClinVar variation 1703461 (VCV001703461.2), dbSNP rs2539339341, ClinGen allele CA375842057.

ClinVar aggregate classification (germline): Uncertain significance (1 of 4 stars; one submission).

Submission:

GeneDx
Classification: Uncertain significance. Last evaluated: 2022-02-26. Review status: criteria provided, single submitter. Criteria: GeneDx Variant Classification Process June 2021. Collection method: clinical testing. Allele origin: germline. Affected: yes.
Comment: Not observed at significant frequency in large population cohorts (gnomAD); In silico analysis supports that this missense variant has a deleterious effect on protein structure/function; Has not been previously published as pathogenic or benign to our knowledge